The following is an entry in ClinVar:

NM_000535.7(PMS2):c.770T>G (p.Leu257Trp)

Gene: PMS2 (PMS1 homolog 2, mismatch repair system component; minus strand). Cytogenetic location: 7p22.1.
Variant type: single nucleotide variant.
Coding change: c.770T>G on transcript NM_000535.7 (MANE Select); coding-DNA position 770, T replaced by G.
Protein change: p.Leu257Trp; replaces leucine 257 with tryptophan.
Molecular consequence: missense variant. On other transcripts: 5 prime UTR variant (2), non-coding transcript variant (1).
Genome position (GRCh38, 1-based): chr7:5,997,359, A>C on the plus strand (T>G on the coding strand, the complement: PMS2 is on the minus strand). VCF-style: chr7-5997359-A-C. GRCh37 (hg19) VCF-style: chr7-6036990-A-C.
Other names: c.365T>G, p.Leu122Trp (NM_001322003.2, NM_001322004.2, NM_001322005.2 and 2 more transcripts); c.770T>G, p.Leu257Trp (NM_001322006.2, NM_001322014.2); c.452T>G, p.Leu151Trp (NM_001322007.2, NM_001322008.2); c.-164T>G (NM_001322011.2, NM_001322012.2); c.197T>G, p.Leu66Trp (NM_001322013.2); c.461T>G, p.Leu154Trp (NM_001322015.2); short protein forms L257W, L154W, L66W, L122W, L151W.
Identifiers: ClinVar variation 486042 (VCV000486042.19), dbSNP rs1554301463, ClinGen allele CA366743670.
Genomic context (GRCh38, chr7:5,997,359, plus strand): 5'-TAGTTCTCTTGCCAGCAATCTACTTACTAAAAAAGATTATGCAGAGCATCGGAACAGCTC[A>C]AACCGTACTCTTCACACACGGAGTCACTAGGGGGCAGCTGAACAAAAGGAATGAGGCTTT-3'
Protein context (NP_000526.2, residues 247-267): PSDSVCEEYG[Leu257Trp]SCSDALHNLF

ClinVar aggregate classification (germline): Uncertain significance. Review status: criteria provided, multiple submitters, no conflicts (2 of 4 stars). 6 submissions from 6 submitters: Uncertain significance (6). Last evaluated 2025-12-03.

Conditions:
Hereditary nonpolyposis colorectal neoplasms. Identifiers: MedGen C0009405, MeSH D003123.
Hereditary cancer-predisposing syndrome. Also called: Tumor predisposition; Hereditary Cancer Syndrome; Hereditary neoplastic syndrome; Neoplastic Syndromes, Hereditary. Identifiers: Orphanet 140162, MedGen C0027672, MeSH D009386, MONDO:0015356.
Lynch syndrome. Identifiers: Orphanet 144, MedGen C4552100, MONDO:0005835. Disease mechanism: loss of function.
Lynch syndrome 4 (LYNCH4). Also called: Colorectal cancer, hereditary nonpolyposis, type 4; Hereditary non-polyposis colorectal cancer, type 4. Identifiers: Orphanet 144, MedGen C1838333, MONDO:0013699, OMIM 614337. Disease mechanism: loss of function.

Submissions (6):

Labcorp Genetics (formerly Invitae), Labcorp
Classification: Uncertain significance for Hereditary nonpolyposis colorectal neoplasms. Last evaluated: 2025-12-03. Review status: criteria provided, single submitter. Criteria: Invitae Variant Classification Sherloc (09022015). Collection method: clinical testing. Allele origin: germline.
Comment: This sequence change replaces leucine, which is neutral and non-polar, with tryptophan, which is neutral and slightly polar, at codon 257 of the PMS2 protein (p.Leu257Trp). This variant is not present in population databases (gnomAD no frequency). This variant has not been reported in the literature in individuals affected with PMS2-related conditions. ClinVar contains an entry for this variant (Variation ID: 486042). Invitae Evidence Modeling incorporating data from in vitro experimental studies (internal data) indicates that this missense variant is not expected to disrupt PMS2 function with a negative predictive value of 95%. In summary, the available evidence is currently insufficient to determine the role of this variant in disease. Therefore, it has been classified as a Variant of Uncertain Significance.

All of Us Research Program, National Institutes of Health
Classification: Uncertain significance for Lynch syndrome. Last evaluated: 2024-04-16. Review status: criteria provided, single submitter. Criteria: ACMG Guidelines, 2015. Collection method: clinical testing. Allele origin: germline. Inheritance: Autosomal dominant inheritance. Observed: 2 variant alleles, 2 heterozygotes.
Comment: This missense variant replaces leucine with tryptophan at codon 257 of the PMS2 protein. Computational prediction is inconclusive regarding the impact of this variant on protein structure and function (internally defined REVEL score threshold 0.5 < inconclusive < 0.7, PMID: 27666373). To our knowledge, functional studies have not been reported for this variant. This variant has not been reported in individuals affected with PMS2-related disorders in the literature. This variant has not been identified in the general population by the Genome Aggregation Database (gnomAD). The available evidence is insufficient to determine the role of this variant in disease conclusively. Therefore, this variant is classified as a Variant of Uncertain Significance.

This study involves interpretation of variants in research participants for the purpose of population health screening. Participant phenotype was not available at the time of variant classification. Additional details can be found in publication PMID: 35346344, PMCID: PMC8962531

Color Diagnostics, LLC DBA Color Health
Classification: Uncertain significance for Hereditary cancer-predisposing syndrome. Last evaluated: 2024-03-19. Review status: criteria provided, single submitter. Criteria: ACMG Guidelines, 2015. Collection method: clinical testing. Allele origin: germline.
Comment: This missense variant replaces leucine with tryptophan at codon 257 of the PMS2 protein. Computational prediction is inconclusive regarding the impact of this variant on protein structure and function (internally defined REVEL score threshold 0.5 < inconclusive < 0.7, PMID: 27666373). To our knowledge, functional studies have not been reported for this variant. This variant has not been reported in individuals affected with PMS2-related disorders in the literature. This variant has not been identified in the general population by the Genome Aggregation Database (gnomAD). The available evidence is insufficient to determine the role of this variant in disease conclusively. Therefore, this variant is classified as a Variant of Uncertain Significance.

Ambry Genetics
Classification: Uncertain significance for Hereditary cancer-predisposing syndrome. Last evaluated: 2023-07-29. Review status: criteria provided, single submitter. Criteria: Ambry Variant Classification Scheme 2023. Collection method: clinical testing. Allele origin: germline.
Comment: The p.L257W variant (also known as c.770T>G), located in coding exon 7 of the PMS2 gene, results from a T to G substitution at nucleotide position 770. The leucine at codon 257 is replaced by tryptophan, an amino acid with similar properties. This amino acid position is highly conserved in available vertebrate species. In addition, the in silico prediction for this alteration is inconclusive. Since supporting evidence is limited at this time, the clinical significance of this alteration remains unclear.

Baylor Genetics
Classification: Uncertain significance for Lynch syndrome 4. Last evaluated: 2023-05-28. Review status: criteria provided, single submitter. Criteria: ACMG Guidelines, 2015. Collection method: clinical testing. Allele origin: unknown.

GeneDx
Classification: Uncertain significance. Last evaluated: 2023-04-07. Review status: criteria provided, single submitter. Criteria: GeneDx Variant Classification Process June 2021. Collection method: clinical testing. Allele origin: germline. Affected: yes.
Comment: In silico analysis supports that this missense variant has a deleterious effect on protein structure/function; Has not been previously published as pathogenic or benign to our knowledge; This variant is associated with the following publications: (PMID: 11574484)